The following is an entry in ClinVar:

ClinVar aggregate classification (germline): Conflicting classifications of pathogenicity. Review status: criteria provided, conflicting classifications (1 of 4 stars). 6 submissions from 6 submitters: Uncertain significance (2); Benign (1); Likely benign (2). 1 of the submissions does not count toward it. Last evaluated 2026-01-27.

Conditions:
FRAS1-related disorder. Also called: FRAS1-related condition.
Fraser syndrome 1 (FRASRS1). Also called: CRYPTOPHTHALMOS WITH OTHER MALFORMATIONS. Identifiers: Orphanet 2052, MedGen C4551480, MONDO:0054737, OMIM 219000.

Allele frequency attached by ClinVar (database versions not stated): gnomAD 0.00010; TOPMed 0.00011; ESP Exome Variant Server 0.00024; 1000 Genomes Project 30x 0.00031; 1000 Genomes Project 0.00040.
gnomAD v4.1: 381 of 1,613,744 alleles (0.024%); highest among the groups gnomAD compares: South Asian, 0.21%; 3 homozygotes.

Submissions (6):

Labcorp Genetics (formerly Invitae), Labcorp
Classification: Benign. Last evaluated: 2026-01-27. Review status: criteria provided, single submitter. Criteria: Invitae Variant Classification Sherloc (09022015). Collection method: clinical testing. Allele origin: germline.

Fulgent Genetics
Classification: Likely benign for Fraser syndrome 1. Last evaluated: 2024-05-08. Review status: criteria provided, single submitter. Criteria: ACMG Guidelines, 2015. Collection method: clinical testing. Allele origin: germline.

Revvity Omics, Revvity
Classification: Likely benign for Fraser syndrome 1. Last evaluated: 2024-01-11. Review status: criteria provided, single submitter. Criteria: ACMG Guidelines, 2015. Collection method: clinical testing. Allele origin: germline.

GeneDx
Classification: Uncertain significance. Last evaluated: 2020-01-28. Review status: criteria provided, single submitter. Criteria: GeneDx Variant Classification Process June 2021. Collection method: clinical testing. Allele origin: germline. Affected: yes.
Comment: In silico analysis, which includes protein predictors and evolutionary conservation, supports that this variant does not alter protein structure/function; Has not been previously published as pathogenic or benign to our knowledge

Illumina Laboratory Services, Illumina
Classification: Uncertain significance for Fraser syndrome 1. Last evaluated: 2018-01-12. Review status: criteria provided, single submitter. Criteria: ICSL Variant Classification Criteria 13 December 2019. Collection method: clinical testing. Allele origin: germline.

PreventionGenetics, part of Exact Sciences
Classification: Likely benign for FRAS1-related condition. Last evaluated: 2022-05-06. Review status: no assertion criteria provided. Collection method: clinical testing. Allele origin: germline. Not counted in ClinVar's aggregate classification.
Comment: This variant is classified as likely benign based on ACMG/AMP sequence variant interpretation guidelines (Richards et al. 2015 PMID: 25741868, with internal and published modifications).

NM_025074.7(FRAS1):c.4181G>C (p.Gly1394Ala)

Gene: FRAS1 (Fraser extracellular matrix complex subunit 1; plus strand). Cytogenetic location: 4q21.21.
Variant type: single nucleotide variant.
Coding change: c.4181G>C on transcript NM_025074.7 (MANE Select); coding-DNA position 4181, G replaced by C.
Protein change: p.Gly1394Ala; replaces glycine 1394 with alanine.
Molecular consequence: missense variant.
Genome position (GRCh38, 1-based): chr4:78,407,714, G>C. VCF-style: chr4-78407714-G-C. GRCh37 (hg19) VCF-style: chr4-79328868-G-C.
Other names: c.4181G>C, p.Gly1394Ala (NM_001166133.2); short protein forms G1394A.
Identifiers: ClinVar variation 349710 (VCV000349710.16), dbSNP rs376487875, ClinGen allele CA2977123.
Genomic context (GRCh38, chr4:78,407,714, plus strand): 5'-CCTTCCTAGGGGAGGTGGTCCTTCTAGTGAATATGCCTGCAGACAGCCCTGCAGATGAAG[G>C]GCAGCACCTGCCTGATGGGAGGACAGCTACCCCCACCAGCACCTTCACCCAGCAGGACAT-3'
Protein context (NP_079350.5, residues 1384-1404): NMPADSPADE[Gly1394Ala]QHLPDGRTAT